The following is an entry in ClinVar:

ClinVar aggregate classification (germline): Conflicting classifications of pathogenicity. Review status: criteria provided, conflicting classifications (1 of 4 stars). 6 submissions from 6 submitters: Uncertain significance (5); Benign (1). Last evaluated 2025-09-09.

Conditions:
Hereditary cancer-predisposing syndrome. Also called: Neoplastic Syndromes, Hereditary; Hereditary Cancer Syndrome; Tumor predisposition; Hereditary neoplastic syndrome. Identifiers: Orphanet 140162, MedGen C0027672, MeSH D009386, MONDO:0015356.
Familial adenomatous polyposis 2. Also called: MUTYH-associated polyposis; MUTYH Polyposis; FAP type 2; Adenomas, multiple colorectal; COLORECTAL ADENOMATOUS POLYPOSIS, AUTOSOMAL RECESSIVE; ADENOMAS, MULTIPLE COLORECTAL, AUTOSOMAL RECESSIVE. Identifiers: Orphanet 220460, Orphanet 247798, MedGen C3272841, MONDO:0012041, OMIM 608456.

Allele frequency attached by ClinVar (database versions not stated): gnomAD exomes below 0.00001 and 0.00001; TOPMed below 0.00001; gnomAD 0.00001.
gnomAD v4.1: 6 of 1,614,030 alleles (0.00037%); highest among the groups gnomAD compares: Non-Finnish European, 0.00051%; no homozygotes.

Submissions (6):

Ambry Genetics
Classification: Benign for Hereditary cancer-predisposing syndrome. Last evaluated: 2025-09-09. Review status: criteria provided, single submitter. Criteria: Ambry Variant Classification Scheme 2023. Collection method: clinical testing. Allele origin: germline.

Labcorp Genetics (formerly Invitae), Labcorp
Classification: Uncertain significance for Familial adenomatous polyposis 2. Last evaluated: 2025-07-14. Review status: criteria provided, single submitter. Criteria: Invitae Variant Classification Sherloc (09022015). Collection method: clinical testing. Allele origin: germline.
Comment: This sequence change replaces serine, which is neutral and polar, with leucine, which is neutral and non-polar, at codon 412 of the MUTYH protein (p.Ser412Leu). This variant is present in population databases (rs587781533, gnomAD 0.0009%). This variant has not been reported in the literature in individuals affected with MUTYH-related conditions. ClinVar contains an entry for this variant (Variation ID: 141150). An algorithm developed to predict the effect of missense changes on protein structure and function (PolyPhen-2) suggests that this variant is likely to be tolerated. In summary, the available evidence is currently insufficient to determine the role of this variant in disease. Therefore, it has been classified as a Variant of Uncertain Significance.

Baylor Genetics
Classification: Uncertain significance for Familial adenomatous polyposis 2. Last evaluated: 2024-01-26. Review status: criteria provided, single submitter. Criteria: ACMG Guidelines, 2015. Collection method: clinical testing. Allele origin: unknown.

All of Us Research Program, National Institutes of Health
Classification: Uncertain significance for Familial adenomatous polyposis 2. Last evaluated: 2023-06-15. Review status: criteria provided, single submitter. Criteria: ACMG Guidelines, 2015. Collection method: clinical testing. Allele origin: germline. Inheritance: Autosomal recessive inheritance. Observed: 1 variant allele, 1 heterozygote.
Comment: This missense variant replaces serine with leucine at codon 412 of the MUTYH protein. In the context of an alternative transcript, this variant is also known as Ser384Leu. Computational prediction suggests that this variant may not impact protein structure and function (internally defined REVEL score threshold <= 0.5, PMID: 27666373). Splice site prediction tools suggest that this variant may not impact RNA splicing. To our knowledge, functional studies have not been performed for this variant. This variant has been reported in an individual affected with breast cancer (PMID: 25186627). This variant has been identified in 1/251006 chromosomes in the general population by the Genome Aggregation Database (gnomAD). The available evidence is insufficient to determine the role of this variant in disease conclusively. Therefore, this variant is classified as a Variant of Uncertain Significance.

This study involves interpretation of variants in research participants for the purpose of population health screening. Participant phenotype was not available at the time of variant classification. Additional details can be found in publication PMID: 35346344, PMCID: PMC8962531

Color Diagnostics, LLC DBA Color Health
Classification: Uncertain significance for Hereditary cancer-predisposing syndrome. Last evaluated: 2021-12-14. Review status: criteria provided, single submitter. Criteria: ACMG Guidelines, 2015. Collection method: clinical testing. Allele origin: germline.
Comment: This missense variant replaces serine with leucine at codon 412 of the MUTYH protein. In the context of an alternative transcript, this variant is also known as Ser384Leu. Computational prediction suggests that this variant may not impact protein structure and function (internally defined REVEL score threshold <= 0.5, PMID: 27666373). Splice site prediction tools suggest that this variant may not impact RNA splicing. To our knowledge, functional studies have not been performed for this variant. This variant has been reported in an individual affected with breast cancer (PMID: 25186627). This variant has been identified in 1/251006 chromosomes in the general population by the Genome Aggregation Database (gnomAD). The available evidence is insufficient to determine the role of this variant in disease conclusively. Therefore, this variant is classified as a Variant of Uncertain Significance.

Quest Diagnostics Nichols Institute San Juan Capistrano
Classification: Uncertain significance. Last evaluated: 2017-10-17. Review status: criteria provided, single submitter. Criteria: Quest Diagnostics criteria. Collection method: clinical testing. Allele origin: germline.

Literature cited by the submitters: PubMed 25186627 (cited by All of Us Research Program, National Institutes of Health and Color Diagnostics, LLC DBA Color Health).

NM_001048174.2(MUTYH):c.1151C>T (p.Ser384Leu)

Gene: MUTYH (mutY DNA glycosylase; minus strand). Cytogenetic location: 1p34.1.
Variant type: single nucleotide variant.
Coding change: c.1151C>T on transcript NM_001048174.2 (MANE Select); coding-DNA position 1151, C replaced by T.
Protein change: p.Ser384Leu; replaces serine 384 with leucine.
Molecular consequence: missense variant. On other transcripts: non-coding transcript variant (2).
Genome position (GRCh38, 1-based): chr1:45,331,508, G>A on the plus strand (C>T on the coding strand, the complement: MUTYH is on the minus strand). VCF-style: chr1-45331508-G-A. GRCh37 (hg19) VCF-style: chr1-45797180-G-A.
Other names: c.1151C>T, p.Ser384Leu (NM_001048171.2, NM_001048173.2, NM_001293195.2); c.1154C>T, p.Ser385Leu (NM_001048172.2); c.1235C>T, p.Ser412Leu (NM_001128425.2); c.1196C>T, p.Ser399Leu (NM_001293190.2); c.1184C>T, p.Ser395Leu (NM_001293191.2); c.875C>T, p.Ser292Leu (NM_001293192.2, NM_001293196.2); c.806C>T, p.Ser269Leu (NM_001350650.2, NM_001350651.2); c.1226C>T, p.Ser409Leu (NM_012222.3); short protein forms S412L, S269L, S384L, S395L, S409L, S292L, S385L, S399L.
Identifiers: ClinVar variation 141150 (VCV000141150.24), dbSNP rs587781533, ClinGen allele CA012370.